The following is an entry in ClinVar:

ClinVar aggregate classification (germline): Uncertain significance (1 of 4 stars; one submission).

Conditions:
Lowe syndrome (OCRL). Also called: LOWE OCULOCEREBRORENAL SYNDROME; PHOSPHATIDYLINOSITOL 4,5-BISPHOSPHATE 5-PHOSPHATASE DEFICIENCY; Oculocerebrorenal Syndrome. Identifiers: Orphanet 534, MedGen C0028860, MONDO:0010645, OMIM 309000.

Submission:

Labcorp Genetics (formerly Invitae), Labcorp
Classification: Uncertain significance for Lowe syndrome. Last evaluated: 2023-07-14. Review status: criteria provided, single submitter. Criteria: Invitae Variant Classification Sherloc (09022015). Collection method: clinical testing. Allele origin: unknown.
Comment: This variant has not been reported in the literature in individuals affected with OCRL-related conditions. This variant is a gross deletion of the genomic region encompassing exon(s) 9 of the OCRL gene. This variant would be expected to be in-frame, preserving the integrity of the reading frame. Experimental studies and prediction algorithms are not available or were not evaluated, and the functional significance of this variant is currently unknown. This variant disrupts a region of the OCRL protein in which other variant(s) (p.Ser256Asn) have been observed in individuals with OCRL-related conditions (PMID: 33517444). This suggests that this is a clinically significant region of the protein, and that variants that disrupt it are likely to be disease-causing. In summary, the available evidence is currently insufficient to determine the role of this variant in disease. Therefore, it has been classified as a Variant of Uncertain Significance.

Literature cited by the submitters: PubMed 33517444.

NC_000023.10:g.(?_128694507)_(128694648_?)del

Gene: OCRL (OCRL inositol polyphosphate-5-phosphatase; plus strand). Cytogenetic location: Xq25.
Variant type: Deletion.
Identifiers: ClinVar variation 3243704 (VCV003243704.1).